The following is an entry in ClinVar:

NM_001256447.2(BCAP31):c.499A>G (p.Lys167Glu)

Gene: BCAP31 (B cell receptor associated protein 31; minus strand). Cytogenetic location: Xq28.
Variant type: single nucleotide variant.
Coding change: c.499A>G on transcript NM_001256447.2 (MANE Select); coding-DNA position 499, A replaced by G.
Protein change: p.Lys167Glu; replaces lysine 167 with glutamic acid.
Molecular consequence: missense variant.
Genome position (GRCh38, 1-based): chrX:153,703,037, T>C on the plus strand (A>G on the coding strand, the complement: BCAP31 is on the minus strand). VCF-style: chrX-153703037-T-C. GRCh37 (hg19) VCF-style: chrX-152968492-T-C.
Other names: c.499A>G, p.Lys167Glu (NM_001139441.1, NM_005745.8); c.700A>G, p.Lys234Glu (NM_001139457.2); short protein forms K167E, K234E.
Identifiers: ClinVar variation 3696553 (VCV003696553.2).

ClinVar aggregate classification (germline): Uncertain significance (1 of 4 stars; one submission).

gnomAD v4.1: 11 of 1,208,468 alleles (0.00091%); highest among the groups gnomAD compares: East Asian, 0.03%; no homozygotes.

Submission:

Labcorp Genetics (formerly Invitae), Labcorp
Classification: Uncertain significance. Last evaluated: 2024-07-19. Review status: criteria provided, single submitter. Criteria: Invitae Variant Classification Sherloc (09022015). Collection method: clinical testing. Allele origin: germline.
Comment: This sequence change replaces lysine, which is basic and polar, with glutamic acid, which is acidic and polar, at codon 167 of the BCAP31 protein (p.Lys167Glu). This variant is present in population databases (rs781895666, gnomAD 0.02%). This variant has not been reported in the literature in individuals affected with BCAP31-related conditions. An algorithm developed to predict the effect of missense changes on protein structure and function outputs the following: PolyPhen-2: "Benign". The glutamic acid amino acid residue is found in multiple mammalian species, which suggests that this missense change does not adversely affect protein function. In summary, the available evidence is currently insufficient to determine the role of this variant in disease. Therefore, it has been classified as a Variant of Uncertain Significance.